The following is an entry in ClinVar:

ClinVar aggregate classification (germline): Uncertain significance (1 of 4 stars; one submission).

Submission:

GeneDx
Classification: Uncertain significance. Last evaluated: 2024-08-19. Review status: criteria provided, single submitter. Criteria: GeneDx Variant Classification Process June 2021. Collection method: clinical testing. Allele origin: germline. Affected: yes.
Comment: Not observed at significant frequency in large population cohorts (gnomAD); Has not been previously published as pathogenic or benign to our knowledge; Alters the Kozak sequence, which plays a major role in the initiation of translation

NM_001110556.2(FLNA):c.-4C>T

Gene: FLNA (filamin A; minus strand). Cytogenetic location: Xq28.
Variant type: single nucleotide variant.
Coding change: c.-4C>T on transcript NM_001110556.2 (MANE Select); 4 bases upstream of the start codon, C replaced by T.
Molecular consequence: 5 prime UTR variant.
Genome position (GRCh38, 1-based): chrX:154,371,249, G>A on the plus strand (C>T on the coding strand, the complement: FLNA is on the minus strand). VCF-style: chrX-154371249-G-A. GRCh37 (hg19) VCF-style: chrX-153599617-G-A.
Other names: c.-4C>T (NM_001456.4).
Identifiers: ClinVar variation 3764331 (VCV003764331.1).